The following is an entry in ClinVar:

ClinVar aggregate classification (germline): Benign/Likely benign. Review status: criteria provided, multiple submitters, no conflicts (2 of 4 stars). 2 submissions from 2 submitters: Benign (1); Likely benign (1). Last evaluated 2024-10-09.

Conditions:
Familial cancer of breast. Also called: hereditary breast carcinoma; BREAST CANCER, FAMILIAL; Hereditary breast cancer. Identifiers: Orphanet 227535, MedGen C0346153, MONDO:0016419, OMIM 114480. Disease mechanism: loss of function.

Allele frequency attached by ClinVar (database versions not stated): gnomAD exomes below 0.00001.
gnomAD v4.1: 1 of 1,596,374 alleles (0.000063%); highest among the groups gnomAD compares: South Asian, 0.0011%; no homozygotes.

Submissions (2):

Myriad Genetics, Inc.
Classification: Benign for Familial cancer of breast. Last evaluated: 2024-10-09. Review status: criteria provided, single submitter. Criteria: Myriad Autosomal Dominant, Autosomal Recessive and X-Linked Classification Criteria (2023). Collection method: clinical testing. Allele origin: unknown.
Comment: This variant is considered benign. This variant is a silent/synonymous amino acid change and it is not expected to impact splicing.

Labcorp Genetics (formerly Invitae), Labcorp
Classification: Likely benign for Familial cancer of breast. Last evaluated: 2021-01-10. Review status: criteria provided, single submitter. Criteria: Invitae Variant Classification Sherloc (09022015). Collection method: clinical testing. Allele origin: germline.

NM_007194.4(CHEK2):c.1596C>A (p.Thr532=)

Gene: CHEK2 (checkpoint kinase 2; minus strand). Cytogenetic location: 22q12.1.
Variant type: single nucleotide variant.
Coding change: c.1596C>A on transcript NM_007194.4 (MANE Select); coding-DNA position 1596, C replaced by A.
Protein change: p.Thr532=; no amino-acid change (threonine 532 retained).
Molecular consequence: synonymous variant.
Genome position (GRCh38, 1-based): chr22:28,687,933, G>T on the plus strand (C>A on the coding strand, the complement: CHEK2 is on the minus strand). VCF-style: chr22-28687933-G-T. GRCh37 (hg19) VCF-style: chr22-29083921-G-T.
Other names: c.1725C>A, p.Thr575= (NM_001005735.3); c.933C>A, p.Thr311= (NM_001257387.3); c.1395C>A, p.Thr465= (NM_001349956.3); c.1509C>A, p.Thr503= (NM_145862.3).
Identifiers: ClinVar variation 1626663 (VCV001626663.10), dbSNP rs2145737656, ClinGen allele CA513944656.